The following is an entry in ClinVar:

NM_004336.5(BUB1):c.3104T>A (p.Met1035Lys)

Gene: BUB1 (BUB1 mitotic checkpoint serine/threonine kinase; minus strand). Cytogenetic location: 2q13.
Variant type: single nucleotide variant.
Coding change: c.3104T>A on transcript NM_004336.5 (MANE Select); coding-DNA position 3104, T replaced by A.
Protein change: p.Met1035Lys; replaces methionine 1035 with lysine.
Molecular consequence: missense variant.
Genome position (GRCh38, 1-based): chr2:110,638,118, A>T on the plus strand (T>A on the coding strand, the complement: BUB1 is on the minus strand). VCF-style: chr2-110638118-A-T. GRCh37 (hg19) VCF-style: chr2-111395695-A-T.
Other names: c.3044T>A, p.Met1015Lys (NM_001278616.2); c.2933T>A, p.Met978Lys (NM_001278617.2); short protein forms M978K, M1015K, M1035K.
Identifiers: ClinVar variation 2560903 (VCV002560903.2), dbSNP rs1426267121, ClinGen allele CA348088545.

ClinVar aggregate classification (germline): Uncertain significance (1 of 4 stars; one submission).

Submission:

Ambry Genetics
Classification: Uncertain significance. Last evaluated: 2023-03-17. Review status: criteria provided, single submitter. Criteria: Ambry Variant Classification Scheme 2023. Collection method: clinical testing. Allele origin: germline.
Comment: The p.M1035K variant (also known as c.3104T>A), located in coding exon 25 of the BUB1 gene, results from a T to A substitution at nucleotide position 3104. The methionine at codon 1035 is replaced by lysine, an amino acid with similar properties. This amino acid position is conserved. In addition, the in silico prediction for this alteration is inconclusive. Since supporting evidence is limited at this time, the clinical significance of this alteration remains unclear.